The following is an entry in ClinVar:

NM_001433705.1(NLRP5):c.266A>G (p.Glu89Gly)

Gene: NLRP5 (NLR family pyrin domain containing 5; plus strand). Cytogenetic location: 19q13.43.
Variant type: single nucleotide variant.
Coding change: c.266A>G on transcript NM_001433705.1 (MANE Select); coding-DNA position 266, A replaced by G.
Protein change: p.Glu89Gly; replaces glutamic acid 89 with glycine.
Molecular consequence: missense variant.
Genome position (GRCh38, 1-based): chr19:56,004,072, A>G. VCF-style: chr19-56004072-A-G. GRCh37 (hg19) VCF-style: chr19-56515438-A-G.
Other names: NM_153447.4:c.419A>G; short protein forms E89G.
Identifiers: ClinVar variation 788317 (VCV000788317.7), dbSNP rs747142156, ClinGen allele CA9685185.

ClinVar aggregate classification (germline): Likely benign. Review status: criteria provided, multiple submitters, no conflicts (2 of 4 stars). 3 submissions from 3 submitters: Likely benign (2). 1 of the submissions does not count toward it. Last evaluated 2019-12-31.

Conditions:
NLRP5-related disorder. Also called: NLRP5-related condition.

Allele frequency attached by ClinVar (database versions not stated): TOPMed 0.00012; ExAC 0.00031; gnomAD exomes 0.00038 and 0.00018; gnomAD 0.00001.
gnomAD v4.1: 108 of 1,610,838 alleles (0.0067%); highest among the groups gnomAD compares: Admixed American, 0.18%; 2 homozygotes.

Submissions (3):

Labcorp Genetics (formerly Invitae), Labcorp
Classification: Likely benign. Last evaluated: 2019-12-31. Review status: criteria provided, single submitter. Criteria: Invitae Variant Classification Sherloc (09022015). Collection method: clinical testing. Allele origin: germline.

Breakthrough Genomics
Classification: Likely benign. Review status: criteria provided, single submitter. Criteria: ACMG Guidelines, 2015. Collection method: not provided. Allele origin: germline. Inheritance: Unknown mechanism. Affected: yes.

PreventionGenetics, part of Exact Sciences
Classification: Likely benign for NLRP5-related condition. Last evaluated: 2023-03-28. Review status: no assertion criteria provided. Collection method: clinical testing. Allele origin: germline. Not counted in ClinVar's aggregate classification.
Comment: This variant is classified as likely benign based on ACMG/AMP sequence variant interpretation guidelines (Richards et al. 2015 PMID: 25741868, with internal and published modifications).